The following is an entry in ClinVar:

ClinVar aggregate classification (germline): Conflicting classifications of pathogenicity. Review status: criteria provided, conflicting classifications (1 of 4 stars). 3 submissions from 3 submitters: Uncertain significance (1); Likely benign (2). Last evaluated 2025-06-10.

Conditions:
Inborn genetic diseases. Identifiers: MedGen C0950123, MeSH D030342.
Nephrolithiasis susceptibility caused by SLC26A1 (CAON1). Also called: NEPHROLITHIASIS, CALCIUM OXALATE, 1. Identifiers: MedGen C5779632, MONDO:0020722, OMIM 167030.
Hypersulfaturia (HYSULF). Identifiers: MedGen C5830511, MONDO:0957268, OMIM 620372.

Allele frequency attached by ClinVar (database versions not stated): gnomAD 0.00040 and 0.00038; gnomAD exomes 0.00040; TOPMed 0.00040; ESP Exome Variant Server 0.00047; ExAC 0.00066.
gnomAD v4.1: 934 of 1,588,650 alleles (0.059%); highest among the groups gnomAD compares: Non-Finnish European, 0.074%; 1 homozygote.

Submissions (3):

Labcorp Genetics (formerly Invitae), Labcorp
Classification: Uncertain significance. Last evaluated: 2025-06-10. Review status: criteria provided, single submitter. Criteria: Invitae Variant Classification Sherloc (09022015). Collection method: clinical testing. Allele origin: germline.
Comment: This sequence change replaces alanine, which is neutral and non-polar, with valine, which is neutral and non-polar, at codon 429 of the SLC26A1 protein (p.Ala429Val). This variant is present in population databases (rs139142520, gnomAD 0.07%), and has an allele count higher than expected for a pathogenic variant. This variant has not been reported in the literature in individuals affected with SLC26A1-related conditions. ClinVar contains an entry for this variant (Variation ID: 1517952). Invitae Evidence Modeling of protein sequence and biophysical properties (such as structural, functional, and spatial information, amino acid conservation, physicochemical variation, residue mobility, and thermodynamic stability) indicates that this missense variant is not expected to disrupt SLC26A1 protein function with a negative predictive value of 80%. In summary, the available evidence is currently insufficient to determine the role of this variant in disease. Therefore, it has been classified as a Variant of Uncertain Significance.

Fulgent Genetics
Classification: Likely benign for Nephrolithiasis susceptibility caused by SLC26A1; Hypersulfaturia. Last evaluated: 2024-03-01. Review status: criteria provided, single submitter. Criteria: ACMG Guidelines, 2015. Collection method: clinical testing. Allele origin: germline.

Ambry Genetics
Classification: Likely benign for Inborn genetic diseases. Last evaluated: 2022-01-19. Review status: criteria provided, single submitter. Criteria: Ambry Variant Classification Scheme 2023. Collection method: clinical testing. Allele origin: germline.

NM_022042.4(SLC26A1):c.1286C>T (p.Ala429Val)

Genes: IDUA (alpha-L-iduronidase; plus strand), SLC26A1 (solute carrier family 26 member 1; minus strand). Cytogenetic location: 4p16.3.
Variant type: single nucleotide variant.
Coding change: c.1286C>T on transcript NM_022042.4 (MANE Select); coding-DNA position 1286, C replaced by T.
Protein change: p.Ala429Val; replaces alanine 429 with valine.
Molecular consequence: missense variant. On other transcripts: intron variant (2).
Genome position (GRCh38, 1-based): chr4:989,653, G>A on the plus strand (C>T on the coding strand, the complement: SLC26A1 is on the minus strand). VCF-style: chr4-989653-G-A. GRCh37 (hg19) VCF-style: chr4-983441-G-A.
Other names: c.1286C>T, p.Ala429Val (NM_213613.4); c.576+1475C>T (NM_134425.4); c.299+1704G>A (NM_000203.5); c.1286C>T (NM_213613.2); short protein forms A429V.
Identifiers: ClinVar variation 1517952 (VCV001517952.11), dbSNP rs139142520, ClinGen allele CA2801418.
Genomic context (GRCh38, chr4:989,653, plus strand): 5'-CTGACCACGATGACGCAGGCCAGCACGCTTCGCTGTAGGTCGTGGAACAGCGGTGCCAGC[G>A]CCAGCAGCACCAGCAGCACCACGGTGGCGCTGACCACGCTGGACAGCTGTGTCCGGCAGC-3'
Protein context (NP_071325.2, residues 419-439): SATVVLLVLL[Ala429Val]LAPLFHDLQR